The following is an entry in ClinVar:

NM_001382430.1(AKT1):c.1177G>A (p.Gly393Ser)

Gene: AKT1 (AKT serine/threonine kinase 1; minus strand). Cytogenetic location: 14q32.33.
Variant type: single nucleotide variant.
Coding change: c.1177G>A on transcript NM_001382430.1 (MANE Select); coding-DNA position 1177, G replaced by A.
Protein change: p.Gly393Ser; replaces glycine 393 with serine.
Molecular consequence: missense variant.
Genome position (GRCh38, 1-based): chr14:104,772,448, C>T on the plus strand (G>A on the coding strand, the complement: AKT1 is on the minus strand). VCF-style: chr14-104772448-C-T. GRCh37 (hg19) VCF-style: chr14-105238785-C-T.
Other names: c.1177G>A, p.Gly393Ser (NM_001014431.2, NM_001014432.2, NM_001382431.1 and 3 more transcripts); short protein forms G393S.
Identifiers: ClinVar variation 1741090 (VCV001741090.2), dbSNP rs2542115885, ClinGen allele CA391216416.
Genomic context (GRCh38, chr14:104,772,448, plus strand): 5'-ACACGATACCGGCAAAGAAGCGATGCTGCATGATCTCCTTGGCGTCCTCGGAGCCCCCGC[C>T]AAGCCTGCAGGCAGGAAACAAGGCCACAGTGTCGGTACCGCCACCTGCCCAGGCCCTGGG-3'
Protein context (NP_001369359.1, residues 383-403): LLKKDPKQRL[Gly393Ser]GGSEDAKEIM

ClinVar aggregate classification (germline): Uncertain significance (1 of 4 stars; one submission).

Conditions:
Inborn genetic diseases. Identifiers: MedGen C0950123, MeSH D030342.

Submission:

Ambry Genetics
Classification: Uncertain significance for Inborn genetic diseases. Last evaluated: 2022-03-05. Review status: criteria provided, single submitter. Criteria: Ambry Variant Classification Scheme 2023. Collection method: clinical testing. Allele origin: germline.
Comment: The p.G393S variant (also known as c.1177G>A), located in coding exon 11 of the AKT1 gene, results from a G to A substitution at nucleotide position 1177. The glycine at codon 393 is replaced by serine, an amino acid with similar properties. This amino acid position is conserved. In addition, the in silico prediction for this alteration is inconclusive. Since supporting evidence is limited at this time, the clinical significance of this alteration remains unclear.